The following is an entry in ClinVar:

ClinVar aggregate classification (germline): Conflicting classifications of pathogenicity. Review status: criteria provided, conflicting classifications (1 of 4 stars). 10 submissions from 10 submitters: Uncertain significance (7); Likely benign (1). 2 of the submissions do not count toward it. Last evaluated 2026-01-27.

Conditions:
Wolman disease (WOLD). Also called: Infantile-Onset LAL-D (Wolman Disease); Wolman disease with hypolipoproteinemia and acanthocytosis; Acid cholesteryl ester hydrolase deficiency, Wolman type; Acid lipase disease; LYSOSOMAL ACID LIPASE DEFICIENCY, ACUTE INFANTILE; LYSOSOMAL ACID LIPASE DEFICIENCY, COMPLETE. Identifiers: Orphanet 75233, MedGen C0043208, MONDO:0019148, OMIM 620151.
Cholesteryl ester storage disease (CESD). Also called: Childhood/Adult-Onset LAL-D (Cholesterol Ester Storage Disease [CESD]). Identifiers: Orphanet 75234, MedGen C0008384, MONDO:0019149, OMIM 278000.
Cardiovascular phenotype. Identifiers: MedGen CN230736.
Lysosomal acid lipase deficiency. Also called: Acid cholesteryl ester hydrolase deficiency, type 2. Identifiers: Orphanet 275761, MedGen C5574740, MONDO:0800449, MONDO:0010204.
LIPA-related disorder. Also called: LIPA-related condition; LIPA-related disorders.

Allele frequency attached by ClinVar (database versions not stated): ESP Exome Variant Server 0.00054; TOPMed 0.00073; 1000 Genomes Project 0.00120; 1000 Genomes Project 30x 0.00141.
gnomAD v4.1: 204 of 1,614,116 alleles (0.013%); highest among the groups gnomAD compares: African/African-American, 0.22%; no homozygotes.

Submissions (10):

Labcorp Genetics (formerly Invitae), Labcorp
Classification: Likely benign for Wolman disease. Last evaluated: 2026-01-27. Review status: criteria provided, single submitter. Criteria: Invitae Variant Classification Sherloc (09022015). Collection method: clinical testing. Allele origin: germline.

Mayo Clinic Laboratories, Mayo Clinic
Classification: Uncertain significance. Last evaluated: 2025-02-06. Review status: criteria provided, single submitter. Criteria: ACMG Guidelines, 2015. Collection method: clinical testing. Allele origin: germline. Observed: 2 variant alleles.
Comment: BS1

Ambry Genetics
Classification: Uncertain significance for Cardiovascular phenotype. Last evaluated: 2024-11-21. Review status: criteria provided, single submitter. Criteria: Ambry Variant Classification Scheme 2023. Collection method: clinical testing. Allele origin: germline.
Comment: The p.F228S variant (also known as c.683T>C), located in coding exon 6 of the LIPA gene, results from a T to C substitution at nucleotide position 683. The phenylalanine at codon 228 is replaced by serine, an amino acid with highly dissimilar properties. This variant has been reported in a familial hypercholesterolemia (FH) cohort (Sjouke B et al. Atherosclerosis, 2016 Aug;251:263-265). This amino acid position is highly conserved in available vertebrate species. In addition, this alteration is predicted to be deleterious by in silico analysis. Based on the available evidence, the clinical significance of this variant remains unclear.

Revvity Omics, Revvity
Classification: Uncertain significance. Last evaluated: 2024-10-15. Review status: criteria provided, single submitter. Criteria: ACMG Guidelines, 2015. Collection method: clinical testing. Allele origin: germline.

Women's Health and Genetics/Laboratory Corporation of America, LabCorp
Classification: Uncertain significance. Last evaluated: 2023-12-01. Review status: criteria provided, single submitter. Criteria: LabCorp Variant Classification Summary - May 2015. Collection method: clinical testing. Allele origin: germline.
Comment: Variant summary: LIPA c.683T>C (p.Phe228Ser) results in a non-conservative amino acid change located in the alpha/beta hydrolase fold-1 domain (IPR000073) of the encoded protein sequence. Three of five in-silico tools predict a damaging effect of the variant on protein function. The variant allele was found at a frequency of 0.00021 in 250964 control chromosomes, predominantly at a frequency of 0.0025 within the African or African-American subpopulation in the gnomAD database. This frequency is approximately equal to the estimated maximal expected allele frequency for a pathogenic variant in LIPA causing Lysosomal Acid Lipase Deficiency (0.00021 vs 0.0027), suggesting it could be a benign polymorphism found predominately in individuals of African ancestry. c.683T>C has been reported in the literature in the heterozygous state in two individuals affected with familial hypercholesterolemia, but no diagnosis of Lysosomal Acid Lipase Deficiency (Sjouke_2016). This report does not provide unequivocal conclusions about association of the variant with Lysosomal Acid Lipase Deficiency. To our knowledge, no experimental evidence demonstrating an impact on protein function has been reported. The following publications have been ascertained in the context of this evaluation (PMID: 32041611, 27423329). Four submitters have cited clinical-significance assessments for this variant to ClinVar after 2014. Three submitters classified the variant as uncertain significance and one classified it as likely benign. Based on the evidence outlined above, the variant was classified as uncertain significance.

Blueprint Genetics
Classification: Uncertain significance. Last evaluated: 2023-07-27. Review status: criteria provided, single submitter. Criteria: ACMG Guidelines, 2015. Collection method: clinical testing. Allele origin: germline.

New York Genome Center
Classification: Uncertain significance for Cholesteryl ester storage disease. Last evaluated: 2023-05-10. Review status: criteria provided, single submitter. Criteria: NYGC Assertion Criteria 2020. Collection method: clinical testing. Allele origin: germline. Observed: 2 heterozygotes. Clinical features observed: Type 2 diabetes mellitus (HP:0005978), Hyperlipidemia (HP:0003077).

Eurofins Ntd Llc (ga)
Classification: Uncertain significance. Last evaluated: 2018-07-05. Review status: criteria provided, single submitter. Criteria: EGL ClinVar v180209 classification definitions. Collection method: clinical testing. Allele origin: germline. Observed: 7 variant alleles, 7 heterozygotes.

PreventionGenetics, part of Exact Sciences
Classification: Uncertain significance for LIPA-related condition. Last evaluated: 2024-01-09. Review status: no assertion criteria provided. Collection method: clinical testing. Allele origin: germline. Not counted in ClinVar's aggregate classification.
Comment: The LIPA c.683T>C variant is predicted to result in the amino acid substitution p.Phe228Ser. This variant has been reported in two individuals with hypercholesterolaemia and in an individual from a cohort being studied for dyslipidemia (Table 2, Sjouke et al. 2016. PubMed ID: 27423329; Table S4, Dron et al. 2020. PubMed ID: 32041611). This variant is reported in 0.25% of alleles in individuals of African descent in gnomAD. At this time, the clinical significance of this variant is uncertain due to the absence of conclusive functional and genetic evidence.

Counsyl
Classification: Uncertain significance for Cholesteryl ester storage disease. Last evaluated: 2017-02-09. Review status: no assertion criteria provided. Collection method: clinical testing. Allele origin: unknown. Not counted in ClinVar's aggregate classification.

Literature cited by the submitters: PubMed 27423329 (cited by 5 submitters); PubMed 32041611 (cited by Mayo Clinic Laboratories, Mayo Clinic and Women's Health and Genetics/Laboratory Corporation of America, LabCorp).

NM_000235.4(LIPA):c.683T>C (p.Phe228Ser)

Gene: LIPA (lipase A, lysosomal acid type; minus strand). Cytogenetic location: 10q23.31.
Variant type: single nucleotide variant.
Coding change: c.683T>C on transcript NM_000235.4 (MANE Select); coding-DNA position 683, T replaced by C.
Protein change: p.Phe228Ser; replaces phenylalanine 228 with serine.
Molecular consequence: missense variant.
Genome position (GRCh38, 1-based): chr10:89,223,823, A>G on the plus strand (T>C on the coding strand, the complement: LIPA is on the minus strand). VCF-style: chr10-89223823-A-G. GRCh37 (hg19) VCF-style: chr10-90983580-A-G.
Other names: p.Phe228Ser; c.683T>C, p.Phe228Ser (NM_001127605.3); c.335T>C, p.Phe112Ser (NM_001288979.2); short protein forms F228S, F112S.
Identifiers: ClinVar variation 498833 (VCV000498833.28), dbSNP rs2228159, ClinGen allele CA5593637.
Genomic context (GRCh38, chr10:89,223,823, plus strand): 5'-CAAACGTGGGTACCCAGCCACTTCAAAAACGCACTCTGGGGAAGAAATTCTTTGTCTCCA[A>G]ATAAGTCCTACAAAATAAAAAGAAACCCAAGAACATCTCAGCATTTCACTCTGGTGCATA-3'
Protein context (NP_000226.2, residues 218-238): RLPDHLIKDL[Phe228Ser]GDKEFLPQSA